The following is an entry in ClinVar:

NM_015151.4(DIP2A):c.2426A>G (p.Asp809Gly)

Gene: DIP2A (DIP2 acetate--CoA ligase A; plus strand). Cytogenetic location: 21q22.3.
Variant type: single nucleotide variant.
Coding change: c.2426A>G on transcript NM_015151.4 (MANE Select); coding-DNA position 2426, A replaced by G.
Protein change: p.Asp809Gly; replaces aspartic acid 809 with glycine.
Molecular consequence: missense variant.
Genome position (GRCh38, 1-based): chr21:46,546,946, A>G. VCF-style: chr21-46546946-A-G. GRCh37 (hg19) VCF-style: chr21-47966859-A-G.
Other names: c.2297A>G, p.Asp766Gly (NM_001146115.2); c.2414A>G, p.Asp805Gly (NM_001146116.2); c.2429A>G, p.Asp810Gly (NM_001353942.2); c.2426A>G, p.Asp809Gly (NM_001353943.2, NM_001410751.1, NM_206889.3 and 1 more transcripts); c.2177A>G, p.Asp726Gly (NM_001353944.2); short protein forms D726G, D766G, D805G, D809G, D810G.
Identifiers: ClinVar variation 4856908 (VCV004856908.2).

ClinVar aggregate classification (germline): Uncertain significance (1 of 4 stars; one submission).

gnomAD v4.1: 7 of 1,613,924 alleles (0.00043%); highest among the groups gnomAD compares: Admixed American, 0.005%; no homozygotes.

Submission:

Dasa
Classification: Uncertain significance. Last evaluated: 2026-01-22. Review status: criteria provided, single submitter. Criteria: DASA Assertion Criteria. Collection method: clinical testing. Allele origin: germline.
Comment: NM_015151.4(DIP2A):c.2426A>G (p.Asp809Gly) is a missense variant that results in the substitution of aspartic acid with glycine. This variant is rare in population databases. The currently available literature and clinical evidence are not sufficient to establish a definitive association between this variant and the reported condition. Therefore, this variant is classified as a variant of uncertain significance.